The following is an entry in ClinVar:

ClinVar aggregate classification (germline): Uncertain significance (1 of 4 stars; one submission).

Submission:

ARUP Laboratories, Molecular Genetics and Genomics, ARUP Laboratories
Classification: Uncertain significance. Last evaluated: 2025-07-25. Review status: criteria provided, single submitter. Criteria: ARUP Molecular Germline Variant Investigation Process 2024. Collection method: clinical testing. Allele origin: germline.
Comment: The SPTA1 c.6459C>A; p.Val2153= variant, to our knowledge, is not reported in the medical literature or gene specific databases. This variant is also absent from the Genome Aggregation Database (v2.1.1), indicating it is not a common polymorphism. This is a synonymous variant and computational analyses (Alamut Visual Plus v.1.12 and SpliceAI) predict that this variant may impact splicing both by creating a novel cryptic donor splice site and by weakening the nearby canonical acceptor splice site. However, given the lack of clinical and functional data, the significance of this variant is uncertain at this time.

NM_003126.4(SPTA1):c.6459C>A (p.Val2153=)

Gene: SPTA1 (spectrin alpha, erythrocytic 1; minus strand). Cytogenetic location: 1q23.1.
Variant type: single nucleotide variant.
Coding change: c.6459C>A on transcript NM_003126.4 (MANE Select); coding-DNA position 6459, C replaced by A.
Protein change: p.Val2153=; no amino-acid change (valine 2153 retained).
Molecular consequence: synonymous variant.
Genome position (GRCh38, 1-based): chr1:158,619,293, G>T on the plus strand (C>A on the coding strand, the complement: SPTA1 is on the minus strand). VCF-style: chr1-158619293-G-T. GRCh37 (hg19) VCF-style: chr1-158589083-G-T.
Identifiers: ClinVar variation 4685981 (VCV004685981.1).